The following is an entry in ClinVar:

ClinVar aggregate classification (germline): Uncertain significance (1 of 4 stars; one submission).

gnomAD v4.1: 1 of 1,551,784 alleles (0.000064%); no homozygotes.

Submission:

Labcorp Genetics (formerly Invitae), Labcorp
Classification: Uncertain significance. Last evaluated: 2024-05-29. Review status: criteria provided, single submitter. Criteria: Invitae Variant Classification Sherloc (09022015). Collection method: clinical testing. Allele origin: germline.
Comment: This sequence change replaces glutamine, which is neutral and polar, with glutamic acid, which is acidic and polar, at codon 993 of the ZSWIM6 protein (p.Gln993Glu). This variant is not present in population databases (gnomAD no frequency). This variant has not been reported in the literature in individuals affected with ZSWIM6-related conditions. Advanced modeling of protein sequence and biophysical properties (such as structural, functional, and spatial information, amino acid conservation, physicochemical variation, residue mobility, and thermodynamic stability) performed at Invitae indicates that this missense variant is not expected to disrupt ZSWIM6 protein function with a negative predictive value of 80%. In summary, the available evidence is currently insufficient to determine the role of this variant in disease. Therefore, it has been classified as a Variant of Uncertain Significance.

NM_020928.2(ZSWIM6):c.2977C>G (p.Gln993Glu)

Gene: ZSWIM6 (zinc finger SWIM-type containing 6; plus strand). Cytogenetic location: 5q12.1.
Variant type: single nucleotide variant.
Coding change: c.2977C>G on transcript NM_020928.2 (MANE Select); coding-DNA position 2977, C replaced by G.
Protein change: p.Gln993Glu; replaces glutamine 993 with glutamic acid.
Molecular consequence: missense variant.
Genome position (GRCh38, 1-based): chr5:61,543,646, C>G. VCF-style: chr5-61543646-C-G. GRCh37 (hg19) VCF-style: chr5-60839473-C-G.
Other names: short protein forms Q993E.
Identifiers: ClinVar variation 3655006 (VCV003655006.2).